The following is an entry in ClinVar:

ClinVar aggregate classification (germline): Conflicting classifications of pathogenicity. Review status: criteria provided, conflicting classifications (1 of 4 stars). 2 submissions from 2 submitters: Uncertain significance (1); Likely benign (1). Last evaluated 2024-01-03.

Conditions:
Emery-Dreifuss muscular dystrophy 5, autosomal dominant (EDMD5). Also called: EMERY-DREIFUSS MUSCULAR DYSTROPHY 5. Identifiers: Orphanet 261, MedGen C2751805, MONDO:0013072, OMIM 612999.

Allele frequency attached by ClinVar (database versions not stated): ExAC 0.00002; gnomAD exomes 0.00002; gnomAD 0.00003; TOPMed 0.00003.
gnomAD v4.1: 18 of 1,613,960 alleles (0.0011%); highest among the groups gnomAD compares: African/African-American, 0.0067%; no homozygotes.

Submissions (2):

Ambry Genetics
Classification: Likely benign. Last evaluated: 2024-01-03. Review status: criteria provided, single submitter. Criteria: Ambry Variant Classification Scheme 2023. Collection method: clinical testing. Allele origin: germline.

Labcorp Genetics (formerly Invitae), Labcorp
Classification: Uncertain significance for Emery-Dreifuss muscular dystrophy 5, autosomal dominant. Last evaluated: 2022-01-01. Review status: criteria provided, single submitter. Criteria: Invitae Variant Classification Sherloc (09022015). Collection method: clinical testing. Allele origin: germline.
Comment: In summary, the available evidence is currently insufficient to determine the role of this variant in disease. Therefore, it has been classified as a Variant of Uncertain Significance. This sequence change replaces asparagine, which is neutral and polar, with serine, which is neutral and polar, at codon 6568 of the SYNE2 protein (p.Asn6568Ser). Algorithms developed to predict the effect of sequence changes on RNA splicing suggest that this variant may create or strengthen a splice site. This variant has not been reported in the literature in individuals affected with SYNE2-related conditions. This variant is present in population databases (rs201715228, gnomAD 0.004%). Algorithms developed to predict the effect of missense changes on protein structure and function output the following: SIFT: "Tolerated"; PolyPhen-2: "Benign"; Align-GVGD: "Class C0". The serine amino acid residue is found in multiple mammalian species, which suggests that this missense change does not adversely affect protein function.

NM_182914.3(SYNE2):c.19703A>G (p.Asn6568Ser)

Gene: SYNE2 (spectrin repeat containing nuclear envelope protein 2; plus strand). Cytogenetic location: 14q23.2.
Variant type: single nucleotide variant.
Coding change: c.19703A>G on transcript NM_182914.3 (MANE Select); coding-DNA position 19703, A replaced by G.
Protein change: p.Asn6568Ser; replaces asparagine 6568 with serine.
Molecular consequence: missense variant.
Genome position (GRCh38, 1-based): chr14:64,219,253, A>G. VCF-style: chr14-64219253-A-G. GRCh37 (hg19) VCF-style: chr14-64685971-A-G.
Other names: c.19634A>G, p.Asn6545Ser (NM_015180.6); c.227A>G, p.Asn76Ser (NM_182910.2); c.605A>G, p.Asn202Ser (NM_182913.4); c.19703A>G (NM_182914.2); short protein forms N6568S, N202S, N76S, N6545S.
Identifiers: ClinVar variation 1926350 (VCV001926350.6), dbSNP rs201715228, ClinGen allele CA7224566.